The following is an entry in ClinVar:

NM_000390.4(CHM):c.1565C>G (p.Ser522Ter)

Gene: CHM (CHM Rab escort protein; minus strand). Cytogenetic location: Xq21.2.
Variant type: single nucleotide variant.
Coding change: c.1565C>G on transcript NM_000390.4 (MANE Select); coding-DNA position 1565, C replaced by G.
Protein change: p.Ser522Ter; replaces serine 522 with a stop codon.
Molecular consequence: nonsense.
Genome position (GRCh38, 1-based): chrX:85,879,009, G>C on the plus strand (C>G on the coding strand, the complement: CHM is on the minus strand). VCF-style: chrX-85879009-G-C. GRCh37 (hg19) VCF-style: chrX-85134014-G-C.
Other names: c.1121C>G, p.Ser374Ter (NM_001320959.1, NM_001362517.1, NM_001362518.2 and 1 more transcripts); short protein forms S374*, S522*.
Identifiers: ClinVar variation 1389746 (VCV001389746.6), dbSNP rs2148126425, ClinGen allele CA413787577.

ClinVar aggregate classification (germline): Pathogenic (1 of 4 stars; one submission).

Submission:

Labcorp Genetics (formerly Invitae), Labcorp
Classification: Pathogenic. Last evaluated: 2021-08-24. Review status: criteria provided, single submitter. Criteria: Invitae Variant Classification Sherloc (09022015). Collection method: clinical testing. Allele origin: germline.
Comment: For these reasons, this variant has been classified as Pathogenic. This premature translational stop signal has been observed in individual(s) with choroideremia (PMID: 31922496). This variant is not present in population databases (ExAC no frequency). This sequence change creates a premature translational stop signal (p.Ser522*) in the CHM gene. It is expected to result in an absent or disrupted protein product. Loss-of-function variants in CHM are known to be pathogenic (PMID: 9067750, 23811034).

Literature cited by the submitters: PubMed 31922496; PubMed 9067750; PubMed 23811034.